The following is an entry in ClinVar:

NM_001384732.1(CPLANE1):c.2048A>G (p.Glu683Gly)

Gene: CPLANE1 (ciliogenesis and planar polarity effector complex subunit 1; minus strand). Cytogenetic location: 5p13.2.
Variant type: single nucleotide variant.
Coding change: c.2048A>G on transcript NM_001384732.1 (MANE Select); coding-DNA position 2048, A replaced by G.
Protein change: p.Glu683Gly; replaces glutamic acid 683 with glycine.
Molecular consequence: missense variant.
Genome position (GRCh38, 1-based): chr5:37,226,547, T>C on the plus strand (A>G on the coding strand, the complement: CPLANE1 is on the minus strand). VCF-style: chr5-37226547-T-C. GRCh37 (hg19) VCF-style: chr5-37226649-T-C.
Other names: c.2048A>G, p.Glu683Gly (NM_023073.4); short protein forms E683G.
Identifiers: ClinVar variation 3635378 (VCV003635378.2).

ClinVar aggregate classification (germline): Uncertain significance (1 of 4 stars; one submission).

Submission:

Labcorp Genetics (formerly Invitae), Labcorp
Classification: Uncertain significance. Last evaluated: 2024-10-31. Review status: criteria provided, single submitter. Criteria: Invitae Variant Classification Sherloc (09022015). Collection method: clinical testing. Allele origin: germline.
Comment: This sequence change replaces glutamic acid, which is acidic and polar, with glycine, which is neutral and non-polar, at codon 683 of the CPLANE1 protein (p.Glu683Gly). This variant is not present in population databases (gnomAD no frequency). This variant has not been reported in the literature in individuals affected with CPLANE1-related conditions. Invitae Evidence Modeling of protein sequence and biophysical properties (such as structural, functional, and spatial information, amino acid conservation, physicochemical variation, residue mobility, and thermodynamic stability) indicates that this missense variant is not expected to disrupt CPLANE1 protein function with a negative predictive value of 95%. In summary, the available evidence is currently insufficient to determine the role of this variant in disease. Therefore, it has been classified as a Variant of Uncertain Significance.